The following is an entry in ClinVar:

ClinVar aggregate classification (germline): Uncertain significance (1 of 4 stars; one submission).

Conditions:
Cardiovascular phenotype. Identifiers: MedGen CN230736.

gnomAD v4.1: 2 of 1,583,052 alleles (0.00013%); highest among the groups gnomAD compares: Admixed American, 0.0017%; no homozygotes.

Submission:

Ambry Genetics
Classification: Uncertain significance for Cardiovascular phenotype. Last evaluated: 2025-08-31. Review status: criteria provided, single submitter. Criteria: Ambry Variant Classification Scheme 2023. Collection method: clinical testing. Allele origin: germline.
Comment: The p.G1113D variant (also known as c.3338G>A) is located in coding exon 21 of the SOS2 gene. The glycine at codon 1113 is replaced by aspartic acid, an amino acid with similar properties. This change occurs in the first base pair of coding exon 21. This amino acid position is conserved. In addition, this alteration is predicted to be deleterious by in silico analysis. Based on the available evidence, the clinical significance of this variant remains unclear.

NM_006939.4(SOS2):c.3338G>A (p.Gly1113Asp)

Gene: SOS2 (SOS Ras/Rho guanine nucleotide exchange factor 2; minus strand). Cytogenetic location: 14q21.3.
Variant type: single nucleotide variant.
Coding change: c.3338G>A on transcript NM_006939.4 (MANE Select); coding-DNA position 3338, G replaced by A.
Protein change: p.Gly1113Asp; replaces glycine 1113 with aspartic acid.
Molecular consequence: missense variant.
Genome position (GRCh38, 1-based): chr14:50,130,002, C>T on the plus strand (G>A on the coding strand, the complement: SOS2 is on the minus strand). VCF-style: chr14-50130002-C-T. GRCh37 (hg19) VCF-style: chr14-50596720-C-T.
Other names: c.3239G>A, p.Gly1080Asp (NM_001411020.1); short protein forms G1113D, G1080D.
Identifiers: ClinVar variation 4172015 (VCV004172015.1).